The following is an entry in ClinVar:

NM_002206.3(ITGA7):c.3075C>G (p.Tyr1025Ter)

Gene: ITGA7 (integrin subunit alpha 7; minus strand). Cytogenetic location: 12q13.2.
Variant type: single nucleotide variant.
Coding change: c.3075C>G on transcript NM_002206.3 (MANE Select); coding-DNA position 3075, C replaced by G.
Protein change: p.Tyr1025Ter; replaces tyrosine 1025 with a stop codon.
Molecular consequence: nonsense.
Genome position (GRCh38, 1-based): chr12:55,688,079, G>C on the plus strand (C>G on the coding strand, the complement: ITGA7 is on the minus strand). VCF-style: chr12-55688079-G-C. GRCh37 (hg19) VCF-style: chr12-56081863-G-C.
Other names: c.1731C>G, p.Tyr577Ter (NM_001367994.1); c.3057C>G, p.Tyr1019Ter (NM_001374465.1); c.3207C>G, p.Tyr1069Ter (NM_001410977.1); c.3069C>G, p.Tyr1023Ter (NM_001414029.1); c.3000C>G, p.Tyr1000Ter (NM_001414030.1); c.2988C>G, p.Tyr996Ter (NM_001414031.1); c.2955C>G, p.Tyr985Ter (NM_001414032.1); c.2892C>G, p.Tyr964Ter (NM_001414033.1); and 5 more; short protein forms Y1019*, Y1025*, Y916*, Y932*, Y1029*, Y577*, Y1069*, Y1023*.
Identifiers: ClinVar variation 936675 (VCV000936675.11), dbSNP rs754699820, ClinGen allele CA6615350.
Genomic context (GRCh38, chr12:55,688,079, plus strand): 5'-TACAGCCAGGAGGATGACCCACCAGGGCACTCCTTCTGCCACCACAGCCATGGGGTCCAA[G>C]TATACCATCACTGGGATCTGGGGAGCAAGGGGTCAATGGAGCAAGAGGTCAATGGAACAA-3'

ClinVar aggregate classification (germline): Pathogenic/Likely pathogenic. Review status: criteria provided, multiple submitters, no conflicts (2 of 4 stars). 2 submissions from 2 submitters: Pathogenic (1); Likely pathogenic (1). Last evaluated 2022-02-09.

Conditions:
Congenital muscular dystrophy due to integrin alpha-7 deficiency. Also called: Muscular dystrophy, congenital, due to ITGA7 deficiency; MYOPATHY, CONGENITAL, DUE TO INTEGRIN ALPHA-7 DEFICIENCY; Congenital muscular dystrophy with integrin alpha-7 deficiency. Identifiers: Orphanet 34520, MedGen C2750786, MONDO:0013177, OMIM 613204.

Allele frequency attached by ClinVar (database versions not stated): gnomAD exomes below 0.00001; ExAC 0.00001.

Submissions (2):

Labcorp Genetics (formerly Invitae), Labcorp
Classification: Pathogenic for Congenital muscular dystrophy due to integrin alpha-7 deficiency. Last evaluated: 2022-02-09. Review status: criteria provided, single submitter. Criteria: Invitae Variant Classification Sherloc (09022015). Collection method: clinical testing. Allele origin: germline.
Comment: For these reasons, this variant has been classified as Pathogenic. ClinVar contains an entry for this variant (Variation ID: 936675). This variant has not been reported in the literature in individuals affected with ITGA7-related conditions. This variant is present in population databases (rs754699820, gnomAD 0.0009%). This sequence change creates a premature translational stop signal (p.Tyr1025*) in the ITGA7 gene. It is expected to result in an absent or disrupted protein product. Loss-of-function variants in ITGA7 are known to be pathogenic (PMID: 9590299).

Revvity Omics, Revvity
Classification: Likely pathogenic for Congenital muscular dystrophy due to integrin alpha-7 deficiency. Last evaluated: 2021-05-17. Review status: criteria provided, single submitter. Criteria: ACMG Guidelines, 2015. Collection method: clinical testing. Allele origin: germline.

Literature cited by the submitters: PubMed 9590299 (cited by Labcorp Genetics (formerly Invitae), Labcorp).